The following is an entry in ClinVar:

ClinVar aggregate classification (germline): Likely benign (1 of 4 stars; one submission).

gnomAD v4.1: 1,233 of 1,613,740 alleles (0.076%); highest among the groups gnomAD compares: Non-Finnish European, 0.093%; no homozygotes.

Submission:

CeGaT Center for Human Genetics Tuebingen
Classification: Likely benign. Last evaluated: 2026-06-01. Review status: criteria provided, single submitter. Criteria: CeGaT Center For Human Genetics Tuebingen Variant Classification Criteria Version 2. Collection method: clinical testing. Allele origin: germline. Affected: yes. Observed: 1 variant allele.
Comment: RREB1: BP4, BS2

NM_001003699.4(RREB1):c.3931C>T (p.Pro1311Ser)

Gene: RREB1 (ras responsive element binding protein 1; plus strand). Cytogenetic location: 6p24.3.
Variant type: single nucleotide variant.
Coding change: c.3931C>T on transcript NM_001003699.4 (MANE Select); coding-DNA position 3931, C replaced by T.
Protein change: p.Pro1311Ser; replaces proline 1311 with serine.
Molecular consequence: missense variant. On other transcripts: intron variant (2).
Genome position (GRCh38, 1-based): chr6:7,240,560, C>T. VCF-style: chr6-7240560-C-T. GRCh37 (hg19) VCF-style: chr6-7240793-C-T.
Other names: c.3931C>T, p.Pro1311Ser (NM_001003700.2); c.3809-5864C>T (NM_001168344.2, NM_001003698.4); short protein forms P1311S.
Identifiers: ClinVar variation 4872527 (VCV004872527.2).